The following is an entry in ClinVar:

ClinVar aggregate classification (germline): Uncertain significance (0 of 4 stars; one submission).

Conditions:
PHIP-related disorder. Also called: PHIP-related condition; PHIP-related disorders.

gnomAD v4.1: 63 of 1,613,796 alleles (0.0039%); highest among the groups gnomAD compares: Non-Finnish European, 0.005%; no homozygotes.

Submission:

PreventionGenetics, part of Exact Sciences
Classification: Uncertain significance for PHIP-related condition. Last evaluated: 2024-08-06. Review status: no assertion criteria provided. Collection method: clinical testing. Allele origin: germline.
Comment: The PHIP c.5154G>T variant is predicted to result in the amino acid substitution p.Arg1718Ser. The p.Arg1718Ser substitution has been reported in an obese adult, although no additional information was provided that could help establish its pathogenicity (Marenne et al. 2020. PubMed ID: 32492392). This variant is reported in 0.011% of alleles in individuals of European (Non-Finnish) descent in gnomAD. At this time, the clinical significance of this variant is uncertain due to the absence of conclusive functional and genetic evidence.

NM_017934.7(PHIP):c.5154G>T (p.Arg1718Ser)

Genes: IRAK1BP1 (interleukin 1 receptor associated kinase 1 binding protein 1; plus strand), PHIP (PHIP subunit of CUL4-Ring ligase complex; minus strand). Cytogenetic location: 6q14.1.
Variant type: single nucleotide variant.
Coding change: c.5154G>T on transcript NM_017934.7 (MANE Select); coding-DNA position 5154, G replaced by T.
Protein change: p.Arg1718Ser; replaces arginine 1718 with serine.
Molecular consequence: missense variant.
Genome position (GRCh38, 1-based): chr6:78,941,005, C>A on the plus strand (G>T on the coding strand, the complement: PHIP is on the minus strand). VCF-style: chr6-78941005-C-A. GRCh37 (hg19) VCF-style: chr6-79650722-C-A.
Other names: short protein forms R1718S.
Identifiers: ClinVar variation 3352051 (VCV003352051.1).